The following is an entry in ClinVar:

ClinVar aggregate classification (germline): Uncertain significance (1 of 4 stars; one submission).

Conditions:
Inborn genetic diseases. Identifiers: MedGen C0950123, MeSH D030342.

gnomAD v4.1: 4 of 1,613,516 alleles (0.00025%); highest among the groups gnomAD compares: African/African-American, 0.0053%; no homozygotes.

Submission:

Ambry Genetics
Classification: Uncertain significance for Inborn genetic diseases. Last evaluated: 2026-01-26. Review status: criteria provided, single submitter. Criteria: Ambry Variant Classification Scheme 2023. Collection method: clinical testing. Allele origin: germline.
Comment: The c.10037C>G (p.S3346C) alteration is located in exon 51 (coding exon 51) of the DNAH9 gene. This alteration results from a C to G substitution at nucleotide position 10037, causing the serine (S) at amino acid position 3346 to be replaced by a cysteine (C). Based on data from gnomAD, the G allele has an overall frequency of 0.001% (3/282136) total alleles studied. The highest observed frequency was 0.012% (3/24964) of African alleles. Based on insufficient or conflicting evidence, the clinical significance of this alteration remains unclear.

NM_001372.4(DNAH9):c.10037C>G (p.Ser3346Cys)

Gene: DNAH9 (dynein axonemal heavy chain 9; plus strand). Cytogenetic location: 17p12.
Variant type: single nucleotide variant.
Coding change: c.10037C>G on transcript NM_001372.4 (MANE Select); coding-DNA position 10037, C replaced by G.
Protein change: p.Ser3346Cys; replaces serine 3346 with cysteine.
Molecular consequence: missense variant.
Genome position (GRCh38, 1-based): chr17:11,869,237, C>G. VCF-style: chr17-11869237-C-G. GRCh37 (hg19) VCF-style: chr17-11772554-C-G.
Other names: short protein forms S3346C.
Identifiers: ClinVar variation 4839802 (VCV004839802.1).